The following is an entry in ClinVar:

ClinVar aggregate classification (germline): Uncertain significance. Review status: criteria provided, multiple submitters, no conflicts (2 of 4 stars). 2 submissions from 2 submitters: Uncertain significance (2). Last evaluated 2025-05-12.

Conditions:
CRB2-related disorder. Also called: CRB2-related condition; CRB2-related disorders.

Submissions (2):

PreventionGenetics, part of Exact Sciences
Classification: Uncertain significance for CRB2-related condition. Last evaluated: 2025-05-12. Review status: criteria provided, single submitter. Criteria: ACMG Guidelines, 2015. Collection method: clinical testing. Allele origin: germline.
Comment: The CRB2 c.3819_3820delCA variant is predicted to result in a frameshift and premature protein termination (p.Asp1273Glufs*76). To our knowledge, this variant has not been reported in the literature. This variant is located in the last exon close to the stop codon in the CRB2 gene. No truncating variants in the 3' region of this variant have been reported to be pathogenic in the literature. This variant is reported in 0.007% of alleles in individuals of Ashkenazi Jewish descent in gnomAD. Although we suspect that this variant may be pathogenic, at this time, the clinical significance of this variant is uncertain due to the absence of conclusive functional and genetic evidence.

GeneDx
Classification: Uncertain significance. Last evaluated: 2022-06-30. Review status: criteria provided, single submitter. Criteria: GeneDx Variant Classification Process June 2021. Collection method: clinical testing. Allele origin: germline. Affected: yes.
Comment: Not observed at significant frequency in large population cohorts (gnomAD); Frameshift variant predicted to result in protein truncation as the last 13 amino acids are replaced with 75 different amino acids, although loss-of-function variants have not been reported downstream of this position in the protein; Has not been previously published as pathogenic or benign to our knowledge

NM_173689.7(CRB2):c.3819_3820del (p.Asp1273fs)

Gene: CRB2 (crumbs cell polarity complex component 2; plus strand). Cytogenetic location: 9q33.3.
Variant type: Deletion.
Coding change: c.3819_3820del on transcript NM_173689.7 (MANE Select); coding-DNA positions 3819 to 3820, 2 bases deleted (CA; older notation c.3819_3820delCA).
Protein change: p.Asp1273fs; shifts the reading frame from aspartic acid 1273.
Molecular consequence: frameshift variant. On other transcripts: non-coding transcript variant (1).
Genome position (GRCh38, 1-based): chr9:123,377,023-123,377,024, CA deleted; deleting any 2 consecutive bases within chr9:123,377,022-123,377,024 gives the same sequence; the c. name uses the placement nearest the transcript's 3' end. VCF-style (leftmost placement, unchanged base first): chr9-123377021-GAC-G. GRCh37 (hg19) VCF-style: chr9-126139300-GAC-G.
Other names: c.3819_3820delCA (NM_173689.6); short protein forms D1273fs.
Identifiers: ClinVar variation 1810145 (VCV001810145.2), dbSNP rs1311131247, ClinGen allele CA590936445.